The following is an entry in ClinVar:

NM_018685.5(ANLN):c.3329G>A (p.Arg1110His)

Gene: ANLN (anillin, actin binding protein; plus strand). Cytogenetic location: 7p14.2.
Variant type: single nucleotide variant.
Coding change: c.3329G>A on transcript NM_018685.5 (MANE Select); coding-DNA position 3329, G replaced by A.
Protein change: p.Arg1110His; replaces arginine 1110 with histidine.
Molecular consequence: missense variant.
Genome position (GRCh38, 1-based): chr7:36,452,554, G>A. VCF-style: chr7-36452554-G-A. GRCh37 (hg19) VCF-style: chr7-36492163-G-A.
Other names: c.3218G>A, p.Arg1073His (NM_001284301.3); c.3215G>A, p.Arg1072His (NM_001284302.3); short protein forms R1072H, R1110H, R1073H.
Identifiers: ClinVar variation 1508080 (VCV001508080.8), dbSNP rs1289306655, ClinGen allele CA367201674.

ClinVar aggregate classification (germline): Uncertain significance (1 of 4 stars; one submission).

Allele frequency attached by ClinVar (database versions not stated): gnomAD exomes 0.00001 and 0.00002; TOPMed 0.00002.
gnomAD v4.1: 10 of 1,613,966 alleles (0.00062%); highest among the groups gnomAD compares: Admixed American, 0.0067%; no homozygotes.

Submission:

Labcorp Genetics (formerly Invitae), Labcorp
Classification: Uncertain significance. Last evaluated: 2024-07-17. Review status: criteria provided, single submitter. Criteria: Invitae Variant Classification Sherloc (09022015). Collection method: clinical testing. Allele origin: germline.
Comment: This sequence change replaces arginine, which is basic and polar, with histidine, which is basic and polar, at codon 1110 of the ANLN protein (p.Arg1110His). This variant is present in population databases (no rsID available, gnomAD 0.009%). This variant has not been reported in the literature in individuals affected with ANLN-related conditions. ClinVar contains an entry for this variant (Variation ID: 1508080). Advanced modeling of protein sequence and biophysical properties (such as structural, functional, and spatial information, amino acid conservation, physicochemical variation, residue mobility, and thermodynamic stability) performed at Invitae indicates that this missense variant is not expected to disrupt ANLN protein function with a negative predictive value of 80%. In summary, the available evidence is currently insufficient to determine the role of this variant in disease. Therefore, it has been classified as a Variant of Uncertain Significance.